The following is an entry in ClinVar:

NM_033305.3(VPS13A):c.2578G>T (p.Gly860Ter)

Gene: VPS13A (vacuolar protein sorting 13 homolog A; plus strand). Cytogenetic location: 9q21.2.
Variant type: single nucleotide variant.
Coding change: c.2578G>T on transcript NM_033305.3 (MANE Select); coding-DNA position 2578, G replaced by T.
Protein change: p.Gly860Ter; replaces glycine 860 with a stop codon.
Molecular consequence: nonsense.
Genome position (GRCh38, 1-based): chr9:77,275,563, G>T. VCF-style: chr9-77275563-G-T. GRCh37 (hg19) VCF-style: chr9-79890479-G-T.
Other names: c.2578G>T, p.Gly860Ter (NM_001018037.2, NM_001018038.3, NM_015186.4); short protein forms G860*.
Identifiers: ClinVar variation 5014999 (VCV005014999.1).
Genomic context (GRCh38, chr9:77,275,563, plus strand): 5'-GAGGAGGAATTTTTTGATGCACCATGTAGTCCCTTGGAAGAACCTCTTCAGTTTCCAACT[G>T]GAGTTAAAAGTATTCGAACCAGAAAGTTACAAAAGCAGGATTGTTCAGTAAATATGACTA-3'

ClinVar aggregate classification (germline): Pathogenic (1 of 4 stars; one submission).

Conditions:
VPS13A-related neurodegenerative disease. Also called: ACANTHOCYTOSIS WITH NEUROLOGIC DISORDER; LEVINE-CRITCHLEY SYNDROME; Choreoacanthocytosis; Chorea-acanthocytosis; Choreaacanthocytosis; VPS13A Disease. Identifiers: Orphanet 2388, MedGen C0393576, MONDO:0008695, OMIM 200150.

Submission:

Myriad Genetics, Inc.
Classification: Pathogenic for VPS13A-related neurodegenerative disease. Last evaluated: 2025-09-20. Review status: criteria provided, single submitter. Criteria: Myriad Autosomal Dominant, Autosomal Recessive and X-Linked Classification Criteria (2023). Collection method: clinical testing. Allele origin: unknown.
Comment: NM_033305.2(VPS13A):c.2578G>T(G860*) is expected to be pathogenic in the context of VPS13A disease. This variant is predicted to lead to an abnormal or absent protein product due to the creation of a premature termination codon in VPS13A, a gene where loss-of-function variants are known to be pathogenic. Please note: this variant was assessed in the context of healthy population screening.